The following is an entry in ClinVar:

ClinVar aggregate classification (germline): Uncertain significance (1 of 4 stars; one submission).

Submission:

Labcorp Genetics (formerly Invitae), Labcorp
Classification: Uncertain significance. Last evaluated: 2025-07-03. Review status: criteria provided, single submitter. Criteria: Invitae Variant Classification Sherloc (09022015). Collection method: clinical testing. Allele origin: germline.
Comment: This sequence change affects a donor splice site in intron 32 of the POLE gene. RNA analysis indicates that disruption of this splice site induces altered splicing and likely results in a shortened protein product. This variant is not present in population databases (gnomAD no frequency). This variant has not been reported in the literature in individuals affected with POLE-related conditions. ClinVar contains an entry for this variant (Variation ID: 2763625). Studies have shown that disruption of this splice site results in skipping of exon 32, but is expected to preserve the integrity of the reading-frame (internal data). In summary, the available evidence is currently insufficient to determine the role of this variant in disease. Therefore, it has been classified as a Variant of Uncertain Significance.

NM_006231.4(POLE):c.4149+1G>T

Gene: POLE (DNA polymerase epsilon, catalytic subunit; minus strand). Cytogenetic location: 12q24.33.
Variant type: single nucleotide variant.
Coding change: c.4149+1G>T on transcript NM_006231.4 (MANE Select); the canonical splice donor site of the intron after coding-DNA position 4149, G replaced by T.
Molecular consequence: splice donor variant.
Genome position (GRCh38, 1-based): chr12:132,648,928, C>A on the plus strand (G>T on the coding strand, the complement: POLE is on the minus strand). VCF-style: chr12-132648928-C-A. GRCh37 (hg19) VCF-style: chr12-133225514-C-A.
Identifiers: ClinVar variation 2763625 (VCV002763625.3), dbSNP rs1212936945, ClinGen allele CA387383557.